The following is an entry in ClinVar:

ClinVar aggregate classification (germline): Uncertain significance. Review status: criteria provided, multiple submitters, no conflicts (2 of 4 stars). 2 submissions from 2 submitters: Uncertain significance (2). Last evaluated 2025-09-21.

Conditions:
Inborn genetic diseases. Identifiers: MedGen C0950123, MeSH D030342.

Allele frequency attached by ClinVar (database versions not stated): gnomAD exomes below 0.00001.
gnomAD v4.1: 1 of 1,612,090 alleles (0.000062%); highest among the groups gnomAD compares: Admixed American, 0.0017%; no homozygotes.

Submissions (2):

GeneDx
Classification: Uncertain significance. Last evaluated: 2025-09-21. Review status: criteria provided, single submitter. Criteria: GeneDx Variant Classification Process June 2021. Collection method: clinical testing. Allele origin: germline. Affected: yes.
Comment: Not observed at significant frequency in large population cohorts (gnomAD); Canonical splice site variant with an unclear effect on protein function; Has not been previously published as pathogenic or benign to our knowledge

Ambry Genetics
Classification: Uncertain significance for Inborn genetic diseases. Last evaluated: 2022-09-27. Review status: criteria provided, single submitter. Criteria: Ambry Variant Classification Scheme 2023. Collection method: clinical testing. Allele origin: germline.
Comment: Not expected to trigger nonsense-mediated mRNA decay Based on insufficient or conflicting evidence, the clinical significance of this alteration remains unclear.

NM_001128840.3(CACNA1D):c.3915+1G>T

Gene: CACNA1D (calcium voltage-gated channel subunit alpha1 D; plus strand). Cytogenetic location: 3p21.1.
Variant type: single nucleotide variant.
Coding change: c.3915+1G>T on transcript NM_001128840.3 (MANE Select); the canonical splice donor site of the intron after coding-DNA position 3915, G replaced by T.
Molecular consequence: splice donor variant. On other transcripts: intron variant (1).
Genome position (GRCh38, 1-based): chr3:53,770,018, G>T. VCF-style: chr3-53770018-G-T. GRCh37 (hg19) VCF-style: chr3-53804045-G-T.
Other names: c.3871-406G>T (NM_001128839.3); c.3975+1G>T (NM_000720.4).
Identifiers: ClinVar variation 2308664 (VCV002308664.3), dbSNP rs1265572528, ClinGen allele CA353257300.